The following is an entry in ClinVar:

ClinVar aggregate classification (germline): Conflicting classifications of pathogenicity. Review status: criteria provided, conflicting classifications (1 of 4 stars). 2 submissions from 2 submitters: Uncertain significance (1); Benign (1). Last evaluated 2025-07-28.

Conditions:
Schuurs-Hoeijmakers syndrome. Also called: PACS1-Related Neurodevelopmental Disorder. Identifiers: Orphanet 329224, MedGen C3554343, MONDO:0014006, OMIM 615009.

Submissions (2):

Labcorp Genetics (formerly Invitae), Labcorp
Classification: Benign for Schuurs-Hoeijmakers syndrome. Last evaluated: 2025-07-28. Review status: criteria provided, single submitter. Criteria: Invitae Variant Classification Sherloc (09022015). Collection method: clinical testing. Allele origin: germline.

GeneDx
Classification: Uncertain significance. Last evaluated: 2025-06-15. Review status: criteria provided, single submitter. Criteria: GeneDx Variant Classification Process June 2021. Collection method: clinical testing. Allele origin: germline. Affected: yes.
Comment: Not observed at significant frequency in large population cohorts (gnomAD); In silico analysis suggests that this missense variant does not alter protein structure/function; Has not been previously published as pathogenic or benign to our knowledge

NM_018026.4(PACS1):c.1469T>A (p.Leu490His)

Gene: PACS1 (phosphofurin acidic cluster sorting protein 1; plus strand). Cytogenetic location: 11q13.2.
Variant type: single nucleotide variant.
Coding change: c.1469T>A on transcript NM_018026.4 (MANE Select); coding-DNA position 1469, T replaced by A.
Protein change: p.Leu490His; replaces leucine 490 with histidine.
Molecular consequence: missense variant.
Genome position (GRCh38, 1-based): chr11:66,230,642, T>A. VCF-style: chr11-66230642-T-A. GRCh37 (hg19) VCF-style: chr11-65998113-T-A.
Other names: short protein forms L490H.
Identifiers: ClinVar variation 4537826 (VCV004537826.2).
Genomic context (GRCh38, chr11:66,230,642, plus strand): 5'-GCACGAGTCTGGTTGTGCCGGAGAAAGTCAAAACTCCCATGAAGTCCAGTAAAACGGATC[T>A]CCAGGGCTCTGCCTCCCCCAGGTACTGCAGATGGAAAGGAAGCAGGGGGTACAGCCTGCA-3'
Protein context (NP_060496.2, residues 480-500): KTPMKSSKTD[Leu490His]QGSASPSKVE